The following is an entry in ClinVar:

ClinVar aggregate classification (germline): Uncertain significance. Review status: criteria provided, multiple submitters, no conflicts (2 of 4 stars). 2 submissions from 2 submitters: Uncertain significance (2). Last evaluated 2026-01-13.

Conditions:
Hereditary cancer-predisposing syndrome. Also called: Hereditary Cancer Syndrome; Tumor predisposition; Neoplastic Syndromes, Hereditary; Hereditary neoplastic syndrome. Identifiers: Orphanet 140162, MedGen C0027672, MeSH D009386, MONDO:0015356.

Submissions (2):

Ambry Genetics
Classification: Uncertain significance for Hereditary cancer-predisposing syndrome. Last evaluated: 2026-01-13. Review status: criteria provided, single submitter. Criteria: Ambry Variant Classification Scheme 2023. Collection method: clinical testing. Allele origin: germline.
Comment: The c.1226+3A>G intronic variant results from an A to G substitution 3 nucleotides after coding exon 12 in the POLE gene. This nucleotide position is well conserved in available vertebrate species. In silico splice site analysis predicts that this alteration will not have any significant effect on splicing. Based on the available evidence, the clinical significance of this variant remains unclear.

Labcorp Genetics (formerly Invitae), Labcorp
Classification: Uncertain significance. Last evaluated: 2024-06-26. Review status: criteria provided, single submitter. Criteria: Invitae Variant Classification Sherloc (09022015). Collection method: clinical testing. Allele origin: germline.
Comment: This sequence change falls in intron 12 of the POLE gene. It does not directly change the encoded amino acid sequence of the POLE protein. It affects a nucleotide within the consensus splice site. This variant is not present in population databases (gnomAD no frequency). This variant has not been reported in the literature in individuals affected with POLE-related conditions. ClinVar contains an entry for this variant (Variation ID: 838851). Variants that disrupt the consensus splice site are a relatively common cause of aberrant splicing (PMID: 17576681, 9536098). Algorithms developed to predict the effect of sequence changes on RNA splicing suggest that this variant is not likely to affect RNA splicing. In summary, the available evidence is currently insufficient to determine the role of this variant in disease. Therefore, it has been classified as a Variant of Uncertain Significance.

Literature cited by the submitters: PubMed 17576681 (cited by Labcorp Genetics (formerly Invitae), Labcorp); PubMed 9536098 (cited by Labcorp Genetics (formerly Invitae), Labcorp).

NM_006231.4(POLE):c.1226+3A>G

Gene: POLE (DNA polymerase epsilon, catalytic subunit; minus strand). Cytogenetic location: 12q24.33.
Variant type: single nucleotide variant.
Coding change: c.1226+3A>G on transcript NM_006231.4 (MANE Select); 3 bases into the intron after coding-DNA position 1226, A replaced by G.
Molecular consequence: intron variant.
Genome position (GRCh38, 1-based): chr12:132,675,395, T>C on the plus strand (A>G on the coding strand, the complement: POLE is on the minus strand). VCF-style: chr12-132675395-T-C. GRCh37 (hg19) VCF-style: chr12-133251981-T-C.
Identifiers: ClinVar variation 838851 (VCV000838851.11), dbSNP rs2043022841, ClinGen allele CA916082382.